The following is an entry in ClinVar:

NM_003331.5(TYK2):c.589C>T (p.Arg197Cys)

Gene: TYK2 (tyrosine kinase 2; minus strand). Cytogenetic location: 19p13.2.
Variant type: single nucleotide variant.
Coding change: c.589C>T on transcript NM_003331.5 (MANE Select); coding-DNA position 589, C replaced by T.
Protein change: p.Arg197Cys; replaces arginine 197 with cysteine.
Molecular consequence: missense variant.
Genome position (GRCh38, 1-based): chr19:10,366,457, G>A on the plus strand (C>T on the coding strand, the complement: TYK2 is on the minus strand). VCF-style: chr19-10366457-G-A. GRCh37 (hg19) VCF-style: chr19-10477133-G-A.
Other names: c.589C>T (LRG_121t1); short protein forms R197C.
Identifiers: ClinVar variation 571990 (VCV000571990.12), dbSNP rs376427383, ClinGen allele CA9193690.

ClinVar aggregate classification (germline): Uncertain significance. Review status: criteria provided, multiple submitters, no conflicts (2 of 4 stars). 3 submissions from 3 submitters: Uncertain significance (2). 1 of the submissions does not count toward it. Last evaluated 2025-01-06.

Conditions:
TYK2-related disorder. Also called: TYK2-related condition.
Immunodeficiency 35 (IMD35). Also called: HYPER-IgE SYNDROME WITH ATYPICAL MYCOBACTERIOSIS, AUTOSOMAL RECESSIVE; Susceptibility to infection due to TYK2 deficiency; TYK2 DEFICIENCY; HIES WITH ATYPICAL MYCOBACTERIOSIS, AUTOSOMAL RECESSIVE. Identifiers: Orphanet 331226, MedGen C1969086, MONDO:0012682, OMIM 611521.

Allele frequency attached by ClinVar (database versions not stated): TOPMed 0.00010; gnomAD 0.00011; ExAC 0.00012; ESP Exome Variant Server 0.00023.

Submissions (3):

Labcorp Genetics (formerly Invitae), Labcorp
Classification: Uncertain significance for Immunodeficiency 35. Last evaluated: 2025-01-06. Review status: criteria provided, single submitter. Criteria: Invitae Variant Classification Sherloc (09022015). Collection method: clinical testing. Allele origin: germline.
Comment: This sequence change replaces arginine, which is basic and polar, with cysteine, which is neutral and slightly polar, at codon 197 of the TYK2 protein (p.Arg197Cys). This variant is present in population databases (rs376427383, gnomAD 0.03%). This variant has not been reported in the literature in individuals affected with TYK2-related conditions. ClinVar contains an entry for this variant (Variation ID: 571990). Invitae Evidence Modeling of protein sequence and biophysical properties (such as structural, functional, and spatial information, amino acid conservation, physicochemical variation, residue mobility, and thermodynamic stability) indicates that this missense variant is expected to disrupt TYK2 protein function with a positive predictive value of 80%. In summary, the available evidence is currently insufficient to determine the role of this variant in disease. Therefore, it has been classified as a Variant of Uncertain Significance.

Illumina Laboratory Services, Illumina
Classification: Uncertain significance for Immunodeficiency 35. Last evaluated: 2018-01-13. Review status: criteria provided, single submitter. Criteria: ICSL Variant Classification Criteria 13 December 2019. Collection method: clinical testing. Allele origin: germline.

PreventionGenetics, part of Exact Sciences
Classification: Uncertain significance for TYK2-related condition. Last evaluated: 2023-11-27. Review status: no assertion criteria provided. Collection method: clinical testing. Allele origin: germline. Not counted in ClinVar's aggregate classification.
Comment: The TYK2 c.589C>T variant is predicted to result in the amino acid substitution p.Arg197Cys. To our knowledge, this variant has not been reported in the literature. This variant is reported in 0.026% of alleles in individuals of South Asian descent in gnomAD. At this time, the clinical significance of this variant is uncertain due to the absence of conclusive functional and genetic evidence.